The following is an entry in ClinVar:

ClinVar aggregate classification (germline): Likely pathogenic. Review status: criteria provided, multiple submitters, no conflicts (2 of 4 stars). 2 submissions from 2 submitters: Likely pathogenic (2). Last evaluated 2023-11-10.

Conditions:
Propionic acidemia (PROP). Also called: HYPERGLYCINEMIA WITH KETOACIDOSIS AND LEUKOPENIA; KETOTIC HYPERGLYCINEMIA; GLYCINEMIA, KETOTIC. Identifiers: Orphanet 35, MedGen C0268579, MONDO:0011628, OMIM 606054, HP:0003571.

gnomAD v4.1: 1 of 1,614,108 alleles (0.000062%); highest among the groups gnomAD compares: Non-Finnish European, 0.000085%; no homozygotes.

Submissions (2):

Women's Health and Genetics/Laboratory Corporation of America, LabCorp
Classification: Likely pathogenic for Propionic acidemia. Last evaluated: 2023-11-10. Review status: criteria provided, single submitter. Criteria: LabCorp Variant Classification Summary - May 2015. Collection method: clinical testing. Allele origin: germline.
Comment: Variant summary: PCCA c.362A>G (p.Tyr121Cys) results in a non-conservative amino acid change located in the Biotin carboxylase-like, N-terminal domain (IPR005481) of the encoded protein sequence. Five of five in-silico tools predict a damaging effect of the variant on protein function. The variant was absent in 251462 control chromosomes (gnomAD). c.362A>G has been reported in the literature in at least one homozygous individual affected with Propionic Acidemia (Rivera-Barahona_2018). These data indicate that the variant may be associated with disease. At least one publication reports experimental evidence evaluating an impact on protein function. The most pronounced variant effect results in <10% of normal activity (Rivera-Barahona_2018). The following publication have been ascertained in the context of this evaluation (PMID: 30274917). One submitter has cited clinical-significance assessments for this variant to ClinVar after 2014 and has classified the variant as likely pathogenic. Based on the evidence outlined above, the variant was classified as likely pathogenic.

Revvity Omics, Revvity
Classification: Likely pathogenic for Propionic acidemia. Last evaluated: 2021-07-26. Review status: criteria provided, single submitter. Criteria: ACMG Guidelines, 2015. Collection method: clinical testing. Allele origin: germline.

Literature cited by the submitters: PubMed 30274917 (cited by Women's Health and Genetics/Laboratory Corporation of America, LabCorp).

NM_000282.4(PCCA):c.362A>G (p.Tyr121Cys)

Gene: PCCA (propionyl-CoA carboxylase subunit alpha; plus strand). Cytogenetic location: 13q32.3.
Variant type: single nucleotide variant.
Coding change: c.362A>G on transcript NM_000282.4 (MANE Select); coding-DNA position 362, A replaced by G.
Protein change: p.Tyr121Cys; replaces tyrosine 121 with cysteine.
Molecular consequence: missense variant. On other transcripts: 5 prime UTR variant (3), non-coding transcript variant (5).
Genome position (GRCh38, 1-based): chr13:100,155,040, A>G. VCF-style: chr13-100155040-A-G. GRCh37 (hg19) VCF-style: chr13-100807294-A-G.
Other names: c.284A>G, p.Tyr95Cys (NM_001127692.3, NM_001352607.2, NM_001352608.2); c.362A>G, p.Tyr121Cys (NM_001178004.2, NM_001352605.2, NM_001352606.2 and 1 more transcripts); c.-505A>G (NM_001352610.2, NM_001352611.2, NM_001352612.2); short protein forms Y121C, Y95C.
Identifiers: ClinVar variation 1324852 (VCV001324852.5), dbSNP rs936088423, ClinGen allele CA255970804.